The following is an entry in ClinVar:

ClinVar aggregate classification (germline): Uncertain significance (1 of 4 stars; one submission).

Conditions:
Polycystic kidney disease, adult type (PKD1). Also called: Polycystic Kidney Disease 1, Autosomal Dominant; Polycystic kidney disease 1; Polycystic kidney disease 1, severe; POLYCYSTIC KIDNEY DISEASE, ADULT, TYPE I; Polycystic Kidney, Autosomal Dominant; POLYCYSTIC KIDNEY DISEASE 1 WITH OR WITHOUT POLYCYSTIC LIVER DISEASE. Identifiers: MedGen C3149841, MONDO:0008263, OMIM 173900.

Submission:

MVZ Medizinische Genetik Mainz
Classification: Uncertain significance for Polycystic kidney disease, adult type. Last evaluated: 2024-07-16. Review status: criteria provided, single submitter. Criteria: UK Practice Guidelines For Variant Classification V4 01 2020. Collection method: clinical testing. Allele origin: germline. Inheritance: Autosomal dominant inheritance. Affected: yes. Observed: 1 variant allele.
Comment: ACMG Criteria: PP3_MOD,PM2_SUP,PP4

NM_001009944.3(PKD1):c.11532C>A (p.Asp3844Glu)

Genes: PKD1-AS1 (PKD1 antisense RNA 1; plus strand), PKD1 (polycystin 1, transient receptor potential channel interacting; minus strand). Cytogenetic location: 16p13.3.
Variant type: single nucleotide variant.
Coding change: c.11532C>A on transcript NM_001009944.3 (MANE Select); coding-DNA position 11532, C replaced by A.
Protein change: p.Asp3844Glu; replaces aspartic acid 3844 with glutamic acid.
Molecular consequence: missense variant.
Genome position (GRCh38, 1-based): chr16:2,091,786, G>T on the plus strand (C>A on the coding strand, the complement: PKD1 is on the minus strand). VCF-style: chr16-2091786-G-T. GRCh37 (hg19) VCF-style: chr16-2141787-G-T.
Other names: c.11529C>A, p.Asp3843Glu (NM_000296.4); short protein forms D3843E, D3844E.
Identifiers: ClinVar variation 3256621 (VCV003256621.1).